The following is an entry in ClinVar:

ClinVar aggregate classification (germline): Uncertain significance (1 of 4 stars; one submission).

Conditions:
Ullrich congenital muscular dystrophy 2 (UCMD2). Identifiers: Orphanet 75840, MedGen C4225314, MONDO:0014654, OMIM 616470.
Bethlem myopathy 2 (BTHLM2). Identifiers: Orphanet 536516, Orphanet 610, MedGen C4225313, MONDO:0034022, OMIM 616471.

Submission:

Labcorp Genetics (formerly Invitae), Labcorp
Classification: Uncertain significance for Bethlem myopathy 2; Ullrich congenital muscular dystrophy 2. Last evaluated: 2024-12-24. Review status: criteria provided, single submitter. Criteria: Invitae Variant Classification Sherloc (09022015). Collection method: clinical testing. Allele origin: germline.
Comment: This sequence change replaces proline, which is neutral and non-polar, with alanine, which is neutral and non-polar, at codon 2775 of the COL12A1 protein (p.Pro2775Ala). This variant is not present in population databases (gnomAD no frequency). This variant has not been reported in the literature in individuals affected with COL12A1-related conditions. Invitae Evidence Modeling of protein sequence and biophysical properties (such as structural, functional, and spatial information, amino acid conservation, physicochemical variation, residue mobility, and thermodynamic stability) indicates that this missense variant is not expected to disrupt COL12A1 protein function with a negative predictive value of 80%. In summary, the available evidence is currently insufficient to determine the role of this variant in disease. Therefore, it has been classified as a Variant of Uncertain Significance.

NM_004370.6(COL12A1):c.8323C>G (p.Pro2775Ala)

Gene: COL12A1 (collagen type XII alpha 1 chain; minus strand). Cytogenetic location: 6q13.
Variant type: single nucleotide variant.
Coding change: c.8323C>G on transcript NM_004370.6 (MANE Select); coding-DNA position 8323, C replaced by G.
Protein change: p.Pro2775Ala; replaces proline 2775 with alanine.
Molecular consequence: missense variant.
Genome position (GRCh38, 1-based): chr6:75,102,689, G>C on the plus strand (C>G on the coding strand, the complement: COL12A1 is on the minus strand). VCF-style: chr6-75102689-G-C. GRCh37 (hg19) VCF-style: chr6-75812405-G-C.
Other names: c.8323C>G, p.Pro2775Ala (NM_001424113.1); c.8302C>G, p.Pro2768Ala (NM_001424114.1); c.8050C>G, p.Pro2684Ala (NM_001424115.1); c.4831C>G, p.Pro1611Ala (NM_001424116.1, NM_080645.3); short protein forms P1611A, P2684A, P2768A, P2775A.
Identifiers: ClinVar variation 3755815 (VCV003755815.2).